The following is an entry in ClinVar:

NM_001197104.2(KMT2A):c.10738C>G (p.Leu3580Val)

Gene: KMT2A (lysine methyltransferase 2A; plus strand). Cytogenetic location: 11q23.3.
Variant type: single nucleotide variant.
Coding change: c.10738C>G on transcript NM_001197104.2 (MANE Select); coding-DNA position 10738, C replaced by G.
Protein change: p.Leu3580Val; replaces leucine 3580 with valine.
Molecular consequence: missense variant.
Genome position (GRCh38, 1-based): chr11:118,506,630, C>G. VCF-style: chr11-118506630-C-G. GRCh37 (hg19) VCF-style: chr11-118377345-C-G.
Other names: c.10828C>G, p.Leu3610Val (NM_001412597.1); c.10729C>G, p.Leu3577Val (NM_005933.4); short protein forms L3610V, L3580V, L3577V.
Identifiers: ClinVar variation 2991505 (VCV002991505.3), dbSNP rs782617059, ClinGen allele CA6304802.

ClinVar aggregate classification (germline): Uncertain significance (1 of 4 stars; one submission).

Allele frequency attached by ClinVar (database versions not stated): ExAC 0.00001; gnomAD exomes 0.00001.
gnomAD v4.1: 23 of 1,602,448 alleles (0.0014%); highest among the groups gnomAD compares: Non-Finnish European, 0.0017%; no homozygotes.

Submission:

Labcorp Genetics (formerly Invitae), Labcorp
Classification: Uncertain significance. Last evaluated: 2025-03-09. Review status: criteria provided, single submitter. Criteria: Invitae Variant Classification Sherloc (09022015). Collection method: clinical testing. Allele origin: germline.
Comment: This sequence change replaces leucine, which is neutral and non-polar, with valine, which is neutral and non-polar, at codon 3580 of the KMT2A protein (p.Leu3580Val). This variant is present in population databases (rs782617059, gnomAD 0.002%). This variant has not been reported in the literature in individuals affected with KMT2A-related conditions. ClinVar contains an entry for this variant (Variation ID: 2991505). Invitae Evidence Modeling of protein sequence and biophysical properties (such as structural, functional, and spatial information, amino acid conservation, physicochemical variation, residue mobility, and thermodynamic stability) indicates that this missense variant is not expected to disrupt KMT2A protein function with a negative predictive value of 95%. In summary, the available evidence is currently insufficient to determine the role of this variant in disease. Therefore, it has been classified as a Variant of Uncertain Significance.